The following continues an entry in ClinVar:

NM_000059.4(BRCA2):c.8754+4A>G

Gene: BRCA2. ClinVar aggregate classification (germline): Pathogenic. Pathogenic (1).

Submissions 8 to 13 of 13:

Women's Health and Genetics/Laboratory Corporation of America, LabCorp
Classification: Pathogenic for Hereditary breast ovarian cancer syndrome. Last evaluated: 2016-04-07. Review status: criteria provided, single submitter. Criteria: LabCorp Variant Classification Summary - May 2015. Collection method: clinical testing. Allele origin: germline. Not counted in ClinVar's aggregate classification.
Comment: Variant Summary: The variant of interest is located at a conserved intronic position, in which 5/5 splicing prediction programs via Alamut predict a loss (or weakening) effect on a canonical RNA splicing donor site. The variant of interest was not observed in controls (ExAC, 1000 Gs, ESP), but has been reported in multiple affected individuals via publications. Multiple independent functional studies show that this variant can cause a loss of intron 21 donor site, which leads to consequent activation of a cryptic splice site at position IVS21+46. The resulting transcript retained a 46-bp fragment of intron 21 and generates a stop codon at position c.IVS21+9, resulting in a truncated protein and consequently, suggesting a deleterious effect of this variant (Bontti_2006, Acedo_2014, and Houdayer_2012). In addition, multiple clinical laboratories/databases cite the variant with a classification of "Pathogenic/Causal." Therefore, taking all available lines of evidence into consideration, the variant of interest is classified as Pathogenic.

Consortium of Investigators of Modifiers of BRCA1/2 (CIMBA), c/o University of Cambridge
Classification: Pathogenic for Breast-ovarian cancer, familial, susceptibility to, 2. Last evaluated: 2015-10-02. Review status: criteria provided, single submitter. Criteria: CIMBA Mutation Classification guidelines May 2016. Collection method: clinical testing. Allele origin: germline. Not counted in ClinVar's aggregate classification.

Counsyl
Classification: Likely pathogenic for Breast-ovarian cancer, familial, susceptibility to, 2. Last evaluated: 2016-08-19. Review status: no assertion criteria provided. Collection method: clinical testing. Allele origin: unknown. Not counted in ClinVar's aggregate classification.

Sharing Clinical Reports Project (SCRP)
Classification: Pathogenic for Breast-ovarian cancer, familial 2. Last evaluated: 2012-05-01. Review status: no assertion criteria provided. Collection method: clinical testing. Allele origin: germline. Not counted in ClinVar's aggregate classification.

Breast Cancer Information Core (BIC) (BRCA2)
Classification: Uncertain significance for Breast-ovarian cancer, familial 2. Last evaluated: 2004-02-20. Review status: no assertion criteria provided. Collection method: clinical testing. Allele origin: germline. Affected: yes. Observed: 7 variant alleles. Not counted in ClinVar's aggregate classification.

Department of Pathology and Laboratory Medicine, Sinai Health System
Classification: Pathogenic for Malignant tumor of breast. Review status: no assertion criteria provided. Collection method: clinical testing. Allele origin: unknown. Affected: yes. Study: The Canadian Open Genetics Repository (COGR). Not counted in ClinVar's aggregate classification.
Comment: The BRCA2 c.8754+4A>G variant was identified by Houdayer (2012) in an individual referred for BRCA1/2 analysis based on personal or family history. The variant was also identified in dbSNP (ID: rs81002893) â€šÃ„ÃºWith other alleleâ€šÃ„Ã¹, HGMD as â€šÃ„Ãºdisease causing mutationâ€šÃ„Ã¹, LOVD, COSMIC, ClinVar database, the BIC database (7X with unknown clinical importance), and UMD (2X as a causal variant). The variant was classified as a pathogenic variant by the Sharing Clinical Reports Project (SCRP) (submitted within the ClinVar database and derived from Myriad reports). The c.8754+4A>G variant is located in the 5' splice region but does not affect the invariant +1 and +2 positions. However, positions +3 to +6 are part of the splicing consensus sequence and variants involving these positions sometimes affect splicing. Five in silico or computational prediction software programs (SpliceSiteFinder, MaxEntScan, NNSPLICE, GeneSplicer, HumanSpliceFinder) predict a greater than 10% difference in splicing, and two studies using mRNA analysis demonstrated abnormal splicing with a loss of the intron 21 donor site and consequent activation of a cryptic splice site downstream (Bonatti 2006, Houdayer 2012). In addition, two multifactorial probability-based models classified the variant as likely causal or pathogenic (Easton 2007, Lindor 2012). In summary, based on the above information, this variant meets our laboratoryâ€šÃ„Ã´s criteria to be classified as pathogenic.

Literature cited by the submitters: PubMed 22505045 (cited by 8 submitters); PubMed 25382762 (cited by 8 submitters); PubMed 17011978 (cited by 7 submitters); PubMed 20927582 (cited by 7 submitters); PubMed 27433846 (cited by 5 submitters); PubMed 28199346 (cited by Labcorp Genetics (formerly Invitae), Labcorp); PubMed 17924331 (cited by 5 submitters); PubMed 21990134 (cited by 5 submitters); PubMed 31131967 (cited by 4 submitters); PubMed 17576681 (cited by Labcorp Genetics (formerly Invitae), Labcorp); PubMed 9536098 (cited by Labcorp Genetics (formerly Invitae), Labcorp); PubMed 28873162 (cited by Quest Diagnostics Nichols Institute San Juan Capistrano); PubMed 32398771 (cited by 4 submitters); PubMed 31723001 (cited by Quest Diagnostics Nichols Institute San Juan Capistrano); PubMed 32438681 (cited by Quest Diagnostics Nichols Institute San Juan Capistrano); PubMed 34072659 (cited by Quest Diagnostics Nichols Institute San Juan Capistrano and Color Diagnostics, LLC DBA Color Health); PubMed 31528241 (cited by 3 submitters); PubMed 18284688 (cited by 3 submitters); PubMed 18779604 (cited by Quest Diagnostics Nichols Institute San Juan Capistrano and Women's Health and Genetics/Laboratory Corporation of America, LabCorp); PubMed 23096105 (cited by 4 submitters); PubMed 26913838 (cited by 3 submitters); PubMed 26295337 (cited by Quest Diagnostics Nichols Institute San Juan Capistrano); PubMed 31853058 (cited by Color Diagnostics, LLC DBA Color Health); PubMed 25525159 (cited by Ambry Genetics); PubMed 16550498 (cited by Women's Health and Genetics/Laboratory Corporation of America, LabCorp).